The following is an entry in ClinVar:

ClinVar aggregate classification (germline): Uncertain significance (1 of 4 stars; one submission).

Submission:

Labcorp Genetics (formerly Invitae), Labcorp
Classification: Uncertain significance. Last evaluated: 2023-07-12. Review status: criteria provided, single submitter. Criteria: Invitae Variant Classification Sherloc (09022015). Collection method: clinical testing. Allele origin: germline.
Comment: In summary, the available evidence is currently insufficient to determine the role of this variant in disease. Therefore, it has been classified as a Variant of Uncertain Significance. Algorithms developed to predict the effect of sequence changes on RNA splicing suggest that this variant may disrupt the consensus splice site. This variant has not been reported in the literature in individuals affected with MRAP2-related conditions. This variant is not present in population databases (gnomAD no frequency). This sequence change creates a premature translational stop signal (p.Met60Serfs*5) in the MRAP2 gene. While this is not anticipated to result in nonsense mediated decay, it is expected to disrupt the last 146 amino acid(s) of the MRAP2 protein.

NM_138409.4(MRAP2):c.179del (p.Met60fs)

Gene: MRAP2 (melanocortin 2 receptor accessory protein 2; plus strand). Cytogenetic location: 6q14.2.
Variant type: Deletion.
Coding change: c.179del on transcript NM_138409.4 (MANE Select); coding-DNA position 179, one base deleted (T; older notation c.179delT).
Protein change: p.Met60fs; shifts the reading frame from methionine 60.
Molecular consequence: frameshift variant. On other transcripts: 5 prime UTR variant (1), intron variant (1).
Genome position (GRCh38, 1-based): chr6:84,062,944, T deleted. VCF-style (leftmost placement, unchanged base first): chr6-84062943-AT-A. GRCh37 (hg19) VCF-style: chr6-84772662-AT-A.
Other names: c.179del, p.Met60fs (NM_001346542.2, NM_001346544.2); c.-81del (NM_001346543.2); c.-32+7499del (NM_001346541.2); short protein forms M60fs.
Identifiers: ClinVar variation 2733327 (VCV002733327.3), dbSNP rs2541558238, ClinGen allele CA2697553581.
Genomic context (GRCh38, chr6:84,062,943, plus strand): 5'-TGTCTTTCAGATTCCATTGTGATTGGATTTTGGGTTGGTCTTGCAGTCTTCGTGATTTTT[AT>A]GTTTTTTGTGCTGACCTTGCTGACCAAGACAGGAGCCCCACACCAAGAGTAAGTTTGGGC-3'